The following is an entry in ClinVar:

ClinVar aggregate classification (germline): Conflicting classifications of pathogenicity. Review status: criteria provided, conflicting classifications (1 of 4 stars). 7 submissions from 7 submitters: Uncertain significance (1); Benign (1); Likely benign (4). 1 of the submissions does not count toward it. Last evaluated 2025-11-03.

Conditions:
Hereditary cancer-predisposing syndrome. Also called: Hereditary neoplastic syndrome; Hereditary Cancer Syndrome; Neoplastic Syndromes, Hereditary; Tumor predisposition. Identifiers: Orphanet 140162, MedGen C0027672, MeSH D009386, MONDO:0015356.
Familial cancer of breast. Also called: hereditary breast carcinoma; Hereditary breast cancer; BREAST CANCER, FAMILIAL. Identifiers: Orphanet 227535, MedGen C0346153, MONDO:0016419, OMIM 114480. Disease mechanism: loss of function.
Ataxia-telangiectasia syndrome (AT). Also called: Ataxia-telangiectasia, complementation group D; Cerebello-oculocutaneous telangiectasia; Immunodeficiency with ataxia telangiectasia; ATAXIA-TELANGIECTASIA, COMPLEMENTATION GROUP A; ATAXIA-TELANGIECTASIA, FRESNO VARIANT; LOUIS-BAR SYNDROME. Identifiers: Orphanet 100, MedGen C0004135, MONDO:0008840, OMIM 208900.

Allele frequency attached by ClinVar (database versions not stated): gnomAD exomes below 0.00001; gnomAD 0.00003; TOPMed 0.00003.
gnomAD v4.1: 6 of 1,612,864 alleles (0.00037%); highest among the groups gnomAD compares: African/African-American, 0.0067%; no homozygotes.

Submissions (7):

Labcorp Genetics (formerly Invitae), Labcorp
Classification: Likely benign for Ataxia-telangiectasia syndrome. Last evaluated: 2025-11-03. Review status: criteria provided, single submitter. Criteria: Invitae Variant Classification Sherloc (09022015). Collection method: clinical testing. Allele origin: germline.

Myriad Genetics, Inc.
Classification: Benign for Familial cancer of breast. Last evaluated: 2024-05-02. Review status: criteria provided, single submitter. Criteria: Myriad Autosomal Dominant, Autosomal Recessive and X-Linked Classification Criteria (2023). Collection method: clinical testing. Allele origin: unknown.
Comment: This variant is considered benign. This variant is a silent/synonymous amino acid change and it is not expected to impact splicing.

Women's Health and Genetics/Laboratory Corporation of America, LabCorp
Classification: Likely benign. Last evaluated: 2022-10-07. Review status: criteria provided, single submitter. Criteria: LabCorp Variant Classification Summary - May 2015. Collection method: clinical testing. Allele origin: germline.

Color Diagnostics, LLC DBA Color Health
Classification: Likely benign for Hereditary cancer-predisposing syndrome. Last evaluated: 2019-04-03. Review status: criteria provided, single submitter. Criteria: ACMG Guidelines, 2015. Collection method: clinical testing. Allele origin: germline.

Ambry Genetics
Classification: Likely benign for Hereditary cancer-predisposing syndrome. Last evaluated: 2017-04-13. Review status: criteria provided, single submitter. Criteria: Ambry Variant Classification Scheme 2023. Collection method: clinical testing. Allele origin: germline.

GeneDx
Classification: Uncertain significance. Last evaluated: 2016-06-30. Review status: criteria provided, single submitter. Criteria: GeneDx Variant Classification (06012015). Collection method: clinical testing. Allele origin: germline. Affected: yes.
Comment: This variant is denoted ATM c.1905C>T at the DNA level. This variant is silent at the coding level, preserving a Histidine at codon 635. This variant has not, to our knowledge, been published in the literature as being pathogenic or benign. In silico splicing models are uninformative, therefore, in the absence of RNA or functional studies, the actual effect of this variant is unknown. ATM c.1905C>T was not observed in approximately 6,500 individuals of European and African American ancestry in the NHLBI Exome Sequencing Project, indicating it is not a common benign variant in these populations.The nucleotide which is altered, a cytosine (C) at base 1905, is not conserved. Based on currently available information, it is unclear whether ATM c.1905C>T is a pathogenic or benign variant. We consider it to be a variant of uncertain significance.

Natera, Inc.
Classification: Uncertain significance for Ataxia-telangiectasia. Last evaluated: 2025-01-21. Review status: no assertion criteria provided. Collection method: clinical testing. Allele origin: germline. Not counted in ClinVar's aggregate classification.

NM_000051.4(ATM):c.1905C>T (p.His635=)

Gene: ATM (ATM serine/threonine kinase; plus strand). Cytogenetic location: 11q22.3.
Variant type: single nucleotide variant.
Coding change: c.1905C>T on transcript NM_000051.4 (MANE Select); coding-DNA position 1905, C replaced by T.
Protein change: p.His635=; no amino-acid change (histidine 635 retained).
Molecular consequence: synonymous variant.
Genome position (GRCh38, 1-based): chr11:108,253,820, C>T. VCF-style: chr11-108253820-C-T. GRCh37 (hg19) VCF-style: chr11-108124547-C-T.
Other names: c.1905C>T, p.His635= (NM_001351834.2).
Identifiers: ClinVar variation 421592 (VCV000421592.21), dbSNP rs1020808836, ClinGen allele CA16619129.